The following is an entry in ClinVar:

ClinVar aggregate classification (germline): Uncertain significance. Review status: criteria provided, multiple submitters, no conflicts (2 of 4 stars). 2 submissions from 2 submitters: Uncertain significance (2). Last evaluated 2024-05-13.

Conditions:
Autosomal dominant Parkinson disease 8. Also called: LRRK2-Related Parkinson Disease; Parkinson disease 8; Parkinson disease 8, susceptibility to. Identifiers: Orphanet 411602, MedGen C1846862, MONDO:0011764, OMIM 607060.
Inborn genetic diseases. Identifiers: MedGen C0950123, MeSH D030342.

Allele frequency attached by ClinVar (database versions not stated): TOPMed below 0.00001.

Submissions (2):

Ambry Genetics
Classification: Uncertain significance for Inborn genetic diseases. Last evaluated: 2024-05-13. Review status: criteria provided, single submitter. Criteria: Ambry Variant Classification Scheme 2023. Collection method: clinical testing. Allele origin: germline.
Comment: The p.T197P variant (also known as c.589A>C), located in coding exon 6 of the LRRK2 gene, results from an A to C substitution at nucleotide position 589. The threonine at codon 197 is replaced by proline, an amino acid with highly similar properties. This amino acid position is conserved. In addition, this alteration is predicted to be tolerated by in silico analysis. Since supporting evidence is limited at this time, the clinical significance of this alteration remains unclear.

Labcorp Genetics (formerly Invitae), Labcorp
Classification: Uncertain significance for Autosomal dominant Parkinson disease 8. Last evaluated: 2021-12-29. Review status: criteria provided, single submitter. Criteria: Invitae Variant Classification Sherloc (09022015). Collection method: clinical testing. Allele origin: germline.
Comment: This sequence change replaces threonine, which is neutral and polar, with proline, which is neutral and non-polar, at codon 197 of the LRRK2 protein (p.Thr197Pro). This variant is not present in population databases (gnomAD no frequency). In summary, the available evidence is currently insufficient to determine the role of this variant in disease. Therefore, it has been classified as a Variant of Uncertain Significance. Algorithms developed to predict the effect of missense changes on protein structure and function are either unavailable or do not agree on the potential impact of this missense change (SIFT: "Deleterious"; PolyPhen-2: "Benign"; Align-GVGD: "Class C0"). This variant has not been reported in the literature in individuals affected with LRRK2-related conditions.

NM_198578.4(LRRK2):c.589A>C (p.Thr197Pro)

Gene: LRRK2 (leucine rich repeat kinase 2; plus strand). Cytogenetic location: 12q12.
Variant type: single nucleotide variant.
Coding change: c.589A>C on transcript NM_198578.4 (MANE Select); coding-DNA position 589, A replaced by C.
Protein change: p.Thr197Pro; replaces threonine 197 with proline.
Molecular consequence: missense variant.
Genome position (GRCh38, 1-based): chr12:40,240,500, A>C. VCF-style: chr12-40240500-A-C. GRCh37 (hg19) VCF-style: chr12-40634302-A-C.
Other names: short protein forms T197P.
Identifiers: ClinVar variation 1750350 (VCV001750350.8), dbSNP rs760870571, ClinGen allele CA384404544.
Genomic context (GRCh38, chr12:40,240,500, plus strand): 5'-ATCATCTTTAAGCTTATTCAGTATTTTGTCTTTCATTTTTAAGTCTCAGAGGAGCAACTG[A>C]CTGAATTTGTTGAGAACAAAGATTATATGATATTGTTAAGTGCGTTAACAAATTTTAAAG-3'
Protein context (NP_940980.4, residues 187-207): LFERVSEEQL[Thr197Pro]EFVENKDYMI